The following is an entry in ClinVar:

NM_014370.4(SRPK3):c.1507T>C (p.Phe503Leu)

Gene: SRPK3 (SRSF protein kinase 3; plus strand). Cytogenetic location: Xq28.
Variant type: single nucleotide variant.
Coding change: c.1507T>C on transcript NM_014370.4 (MANE Select); coding-DNA position 1507, T replaced by C.
Protein change: p.Phe503Leu; replaces phenylalanine 503 with leucine.
Molecular consequence: missense variant.
Genome position (GRCh38, 1-based): chrX:153,785,161, T>C. VCF-style: chrX-153785161-T-C. GRCh37 (hg19) VCF-style: chrX-153050616-T-C.
Other names: c.1504T>C, p.Phe502Leu (NM_001170760.2); c.1405T>C, p.Phe469Leu (NM_001170761.2); short protein forms F469L, F502L, F503L.
Identifiers: ClinVar variation 4075537 (VCV004075537.1).

ClinVar aggregate classification (germline): Uncertain significance (1 of 4 stars; one submission).

Submission:

GeneDx
Classification: Uncertain significance. Last evaluated: 2025-02-14. Review status: criteria provided, single submitter. Criteria: GeneDx Variant Classification Process June 2021. Collection method: clinical testing. Allele origin: germline. Affected: yes.
Comment: Not observed at significant frequency in large population cohorts (gnomAD); In silico analysis supports that this missense variant has a deleterious effect on protein structure/function; Has not been previously published as pathogenic or benign to our knowledge